The following is an entry in ClinVar:

NM_005932.4(MIPEP):c.413C>T (p.Ala138Val)

Gene: MIPEP (mitochondrial intermediate peptidase; minus strand). Cytogenetic location: 13q12.12.
Variant type: single nucleotide variant.
Coding change: c.413C>T on transcript NM_005932.4 (MANE Select); coding-DNA position 413, C replaced by T.
Protein change: p.Ala138Val; replaces alanine 138 with valine.
Molecular consequence: missense variant.
Genome position (GRCh38, 1-based): chr13:23,881,738, G>A on the plus strand (C>T on the coding strand, the complement: MIPEP is on the minus strand). VCF-style: chr13-23881738-G-A. GRCh37 (hg19) VCF-style: chr13-24455877-G-A.
Other names: short protein forms A138V.
Identifiers: ClinVar variation 2462460 (VCV002462460.3), dbSNP rs1473519290, ClinGen allele CA387530381.
Genomic context (GRCh38, chr13:23,881,738, plus strand): 5'-GGGGAGGGGAACAGCACATACTTCTCTACCATGGTGCCAATACTTCTACAAGCTTCTTCC[G>A]CAGCTTCTCTGAATGCTGGCTCAGGGTGAGCGATTTTCACAAAATCAGCCTAATAAAGGG-3'
Protein context (NP_005923.3, residues 128-148): AHPEPAFREA[Ala138Val]EEACRSIGTM

ClinVar aggregate classification (germline): Uncertain significance. Review status: criteria provided, multiple submitters, no conflicts (2 of 4 stars). 2 submissions from 2 submitters: Uncertain significance (2). Last evaluated 2024-10-15.

Conditions:
Inborn genetic diseases. Identifiers: MedGen C0950123, MeSH D030342.

Allele frequency attached by ClinVar (database versions not stated): gnomAD exomes 0.00001; TOPMed 0.00001; gnomAD 0.00003.
gnomAD v4.1: 12 of 1,613,684 alleles (0.00074%); highest among the groups gnomAD compares: African/African-American, 0.004%; no homozygotes.

Submissions (2):

GeneDx
Classification: Uncertain significance. Last evaluated: 2024-10-15. Review status: criteria provided, single submitter. Criteria: GeneDx Variant Classification Process June 2021. Collection method: clinical testing. Allele origin: germline. Affected: yes.
Comment: In silico analysis supports that this missense variant has a deleterious effect on protein structure/function; Has not been previously published as pathogenic or benign to our knowledge

Ambry Genetics
Classification: Uncertain significance for Inborn genetic diseases. Last evaluated: 2023-01-23. Review status: criteria provided, single submitter. Criteria: Ambry Variant Classification Scheme 2023. Collection method: clinical testing. Allele origin: germline.